The following is an entry in ClinVar:

ClinVar aggregate classification (germline): Uncertain significance. Review status: criteria provided, multiple submitters, no conflicts (2 of 4 stars). 2 submissions from 2 submitters: Uncertain significance (2). Last evaluated 2025-07-14.

Conditions:
Cardiomyopathy (CMYO). Also called: Cardiomyopathies. Identifiers: Orphanet 167848, MedGen C0878544, MONDO:0004994, HP:0001638. Inheritance: Various modes of inheritance.

gnomAD v4.1: 3 of 1,614,070 alleles (0.00019%); highest among the groups gnomAD compares: Non-Finnish European, 0.00025%; no homozygotes.

Submissions (2):

Color Diagnostics, LLC DBA Color Health
Classification: Uncertain significance for Cardiomyopathy. Last evaluated: 2025-07-14. Review status: criteria provided, single submitter. Criteria: ACMG Guidelines, 2015. Collection method: clinical testing. Allele origin: germline.
Comment: This missense variant replaces glutamic acid with lysine at codon 531 of the DSP protein. Computational prediction suggests that this variant may not impact protein structure and function. To our knowledge, functional studies have not been reported for this variant. This variant has not been reported in individuals affected with DSP-related disorders in the literature. This variant has not been identified in the general population by the Genome Aggregation Database (gnomAD). The available evidence is insufficient to determine the role of this variant in disease conclusively. Therefore, this variant is classified as a Variant of Uncertain Significance.

Blueprint Genetics
Classification: Uncertain significance. Last evaluated: 2024-04-15. Review status: criteria provided, single submitter. Criteria: ACMG Guidelines, 2015. Collection method: clinical testing. Allele origin: germline.

NM_004415.4(DSP):c.1591G>A (p.Glu531Lys)

Gene: DSP (desmoplakin; plus strand). Cytogenetic location: 6p24.3.
Variant type: single nucleotide variant.
Coding change: c.1591G>A on transcript NM_004415.4 (MANE Select); coding-DNA position 1591, G replaced by A.
Protein change: p.Glu531Lys; replaces glutamic acid 531 with lysine.
Molecular consequence: missense variant.
Genome position (GRCh38, 1-based): chr6:7,570,453, G>A. VCF-style: chr6-7570453-G-A. GRCh37 (hg19) VCF-style: chr6-7570686-G-A.
Other names: c.1591G>A, p.Glu531Lys (NM_001008844.3, NM_001319034.2); short protein forms E531K.
Identifiers: ClinVar variation 4757478 (VCV004757478.2).